The following is an entry in ClinVar:

ClinVar aggregate classification (germline): Conflicting classifications of pathogenicity. Review status: criteria provided, conflicting classifications (1 of 4 stars). 11 submissions from 11 submitters: Pathogenic (1); Likely pathogenic (6); Uncertain significance (2). 2 of the submissions do not count toward it. Last evaluated 2026-04-29.

Conditions:
PEX10-related disorder. Also called: PEX10-related condition.
Zellweger spectrum disorders (ZS). Also called: Zellweger Spectrum Disorder (ZSD); Zellweger Spectrum Disorder; Zellweger Spectrum; Zellweger syndrome. Identifiers: Orphanet 912, MedGen C0043459, MONDO:0019609.
Peroxisome biogenesis disorder 6A (Zellweger). Also called: Peroxisome biogenesis disorder 6A. Identifiers: Orphanet 912, MedGen C3553947, MONDO:0013936, OMIM 614870.
Peroxisome biogenesis disorder 6B (PBD6B). Identifiers: Orphanet 44, MedGen C3553948, MONDO:0013937, OMIM 614871.
Peroxisome biogenesis disorder, complementation group 7 (CG7). Also called: Peroxisome biogenesis disorder, complementation group B. Identifiers: MedGen C1864399.
Peroxisome biogenesis disorder. Identifiers: Orphanet 79189, MedGen C1832200, MONDO:0019234. Disease mechanism: loss of function.

Allele frequency attached by ClinVar (database versions not stated): TOPMed 0.00004; gnomAD exomes 0.00001; gnomAD 0.00003.
gnomAD v4.1: 14 of 1,599,512 alleles (0.00088%); highest among the groups gnomAD compares: African/African-American, 0.0067%; no homozygotes.

Submissions (11):

Myriad Genetics, Inc.
Classification: Uncertain significance for Peroxisome biogenesis disorder. Last evaluated: 2026-04-29. Review status: criteria provided, single submitter. Criteria: Myriad Autosomal Dominant, Autosomal Recessive and X-Linked Classification Criteria (2023). Collection method: clinical testing. Allele origin: unknown.
Comment: NM_153818.1(PEX10):c.992G>A(R331Q) is a missense variant classified as a variant of uncertain significance in the context of peroxisome biogenesis disorder type 6. R331Q has been observed in cases with relevant disease (PMID: 20695019, 27230853, Xinyu_2023_(Article)). Relevant functional assessments of this variant are not available in the literature. R331Q has been observed in referenced population frequency databases. In summary, there is insufficient evidence to classify NM_153818.1(PEX10):c.992G>A(R331Q) as pathogenic or benign. Please note: this variant was assessed in the context of healthy population screening.

PreventionGenetics, part of Exact Sciences
Classification: Likely pathogenic for PEX10-related condition. Last evaluated: 2025-11-21. Review status: criteria provided, single submitter. Criteria: ACMG Guidelines, 2015. Collection method: clinical testing. Allele origin: germline.
Comment: The PEX10 c.992G>A variant is predicted to result in the amino acid substitution p.Arg331Gln. This variant has been reported in the compound heterozygous state in several individuals with features of a peroxisome biogenesis disorder, including segregation in three affected siblings (Régal et al. 2010. PubMed ID: 20695019; Reported as p.Arg311Gln in Renaud et al. 2016. PubMed ID: 27230853). This variant is reported in 0.014% of alleles in individuals of African descent in gnomAD. This variant is interpreted as likely pathogenic.

Natera, Inc.
Classification: Likely pathogenic for Zellweger syndrome. Last evaluated: 2025-04-24. Review status: criteria provided, single submitter. Criteria: Natera Variant Classification Schema (03/2026). Collection method: clinical testing. Allele origin: germline.
Comment: The c.992G>A variant in PEX10 is a missense variant predicted to cause substitution of arginine to glutamine at amino acid 331. This variant is rare in the general population with a frequency below the threshold expected for the associated phenotype(s). This variant has been observed in one or more individuals affected with the associated recessive disease, as either homozygous or compound heterozygous with a second variant (PMID: 20695019). This variant has been identified in one or more affected individuals with a phenotype highly consistent with the associated gene (PMID: 20695019). Computational prediction algorithms indicate this variant is likely to affect gene or protein function. Given the available evidence, this variant is classified as Likely Pathogenic.

Labcorp Genetics (formerly Invitae), Labcorp
Classification: Likely pathogenic for Peroxisome biogenesis disorder, complementation group 7. Last evaluated: 2025-02-04. Review status: criteria provided, single submitter. Criteria: Invitae Variant Classification Sherloc (09022015). Collection method: clinical testing. Allele origin: germline.
Comment: This sequence change replaces arginine, which is basic and polar, with glutamine, which is neutral and polar, at codon 331 of the PEX10 protein (p.Arg331Gln). The frequency data for this variant in the population databases is considered unreliable, as metrics indicate poor data quality at this position in the gnomAD database. This missense change has been observed in individuals with Zellweger Syndrome Spectrum (PMID: 20695019, 27230853). It has also been observed to segregate with disease in related individuals. This variant is also known as c.932G>A, p.Arg311Gln. ClinVar contains an entry for this variant (Variation ID: 162433). An algorithm developed to predict the effect of missense changes on protein structure and function (PolyPhen-2) suggests that this variant is likely to be disruptive. In summary, the currently available evidence indicates that the variant is pathogenic, but additional data are needed to prove that conclusively. Therefore, this variant has been classified as Likely Pathogenic.

Fulgent Genetics
Classification: Likely pathogenic for Peroxisome biogenesis disorder 6A (Zellweger); Peroxisome biogenesis disorder 6B. Last evaluated: 2024-05-29. Review status: criteria provided, single submitter. Criteria: ACMG Guidelines, 2015. Collection method: clinical testing. Allele origin: germline.

Baylor Genetics
Classification: Pathogenic for Peroxisome biogenesis disorder 6A (Zellweger). Last evaluated: 2024-03-02. Review status: criteria provided, single submitter. Criteria: ACMG Guidelines, 2015. Collection method: clinical testing. Allele origin: unknown.

Blueprint Genetics
Classification: Likely pathogenic for PEX10-related disorders. Last evaluated: 2023-10-12. Review status: criteria provided, single submitter. Criteria: ACMG Guidelines, 2015. Collection method: clinical testing. Allele origin: germline. Affected: yes. Observed: 2 variant alleles.

Eurofins Ntd Llc (ga)
Classification: Uncertain significance. Last evaluated: 2017-08-08. Review status: criteria provided, single submitter. Criteria: EGL Classification Definitions 2015. Collection method: clinical testing. Allele origin: germline. Observed: 1 variant allele, 1 heterozygote.

Juno Genomics, Hangzhou Juno Genomics, Inc
Classification: Likely pathogenic for Peroxisome biogenesis disorder 6A (Zellweger); Peroxisome biogenesis disorder 6B. Review status: criteria provided, single submitter. Criteria: ACMG Guidelines, 2015. Collection method: clinical testing. Allele origin: germline.
Comment: Absent from controls (or at extremely low frequency if recessive) in Genome Aggregation Database.;Multiple lines of computational evidence support a deleterious effect on the gene or gene product.;For recessive disorders, detected in trans with a pathogenic variant.;Co-segregation with disease in multiple affected family members.;Patient's phenotype or family history is highly specific for a disease with a single genetic etiology.

Counsyl
Classification: Uncertain significance for Peroxisome biogenesis disorder 6A (Zellweger); Peroxisome biogenesis disorder 6B. Last evaluated: 2017-10-18. Review status: no assertion criteria provided. Collection method: clinical testing. Allele origin: unknown. Not counted in ClinVar's aggregate classification.

OMIM
Classification: Pathogenic for PEROXISOME BIOGENESIS DISORDER 6B. Last evaluated: 2010-08-01. Review status: no assertion criteria provided. Collection method: literature only. Allele origin: germline. Not counted in ClinVar's aggregate classification.

Literature cited by the submitters: PubMed 20695019 (cited by 4 submitters); PubMed 27230853 (cited by Labcorp Genetics (formerly Invitae), Labcorp and Counsyl).

NM_002617.4(PEX10):c.932G>A (p.Arg311Gln)

Gene: PEX10 (peroxisomal biogenesis factor 10; minus strand). Cytogenetic location: 1p36.32.
Variant type: single nucleotide variant.
Coding change: c.932G>A on transcript NM_002617.4 (MANE Select); coding-DNA position 932, G replaced by A.
Protein change: p.Arg311Gln; replaces arginine 311 with glutamine.
Molecular consequence: missense variant. On other transcripts: non-coding transcript variant (1).
Genome position (GRCh38, 1-based): chr1:2,405,815, C>T on the plus strand (G>A on the coding strand, the complement: PEX10 is on the minus strand). VCF-style: chr1-2405815-C-T. GRCh37 (hg19) VCF-style: chr1-2337254-C-T.
Other names: c.989G>A, p.Arg330Gln (NM_001374425.1); c.557G>A, p.Arg186Gln (NM_001374426.1); c.500G>A, p.Arg167Gln (NM_001374427.1); c.992G>A, p.Arg331Gln (NM_153818.2); short protein forms R331Q, R311Q, R167Q, R186Q, R330Q.
Identifiers: ClinVar variation 162433 (VCV000162433.19), dbSNP rs724160001, ClinGen allele CA175039.